The following is an entry in ClinVar:

ClinVar aggregate classification (germline): Benign/Likely benign. Review status: criteria provided, multiple submitters, no conflicts (2 of 4 stars). 15 submissions from 12 submitters: Benign (9); Likely benign (6). Last evaluated 2026-07-01.

Conditions:
TTN-related disorder. Also called: TTN-related disorders; TTN-related condition; TTN-related disease.
Dilated cardiomyopathy 1G (CMD1G). Identifiers: Orphanet 154, MedGen C1858763, MONDO:0011400, OMIM 604145.
Autosomal recessive limb-girdle muscular dystrophy type 2J (LGMDR10). Also called: Limb-girdle muscular dystrophy, type 2J; MUSCULAR DYSTROPHY, LIMB-GIRDLE, AUTOSOMAL RECESSIVE 10. Identifiers: Orphanet 140922, MedGen C1837342, MONDO:0012127, OMIM 608807.
Early-onset myopathy with fatal cardiomyopathy (CMYO5). Also called: Salih Myopathy; CONGENITAL MYOPATHY 5 WITH CARDIOMYOPATHY. Identifiers: Orphanet 289377, MedGen C2673677, MONDO:0012714, OMIM 611705. Disease mechanism: loss of function.
Myopathy, myofibrillar, 9, with early respiratory failure (MFM9). Also called: Hereditary myopathy with early respiratory failure; MYOPATHY, PROXIMAL, WITH EARLY RESPIRATORY MUSCLE INVOLVEMENT; Myopathy, distal, with early respiratory failure, autosomal dominant; EDSTROM MYOPATHY. Identifiers: Orphanet 178464, Orphanet 34521, MedGen C1863599, MONDO:0011362, OMIM 603689.
Tibial muscular dystrophy (TMD). Also called: UDD MYOPATHY; Tibial muscular dystrophy, tardive; Udd Distal Myopathy – Tibial Muscular Dystrophy. Identifiers: Orphanet 609, MedGen C1838244, MONDO:0010870, OMIM 600334.

Allele frequency attached by ClinVar (database versions not stated): TOPMed 0.00063; ESP Exome Variant Server 0.00093; 1000 Genomes Project 30x 0.00031.
gnomAD v4.1: 190 of 1,612,960 alleles (0.012%); highest among the groups gnomAD compares: African/African-American, 0.21%; no homozygotes.

Submissions (15):

CeGaT Center for Human Genetics Tuebingen
Classification: Likely benign. Last evaluated: 2026-07-01. Review status: criteria provided, single submitter. Criteria: CeGaT Center For Human Genetics Tuebingen Variant Classification Criteria Version 2. Collection method: clinical testing. Allele origin: germline. Affected: yes. Observed: 2 variant alleles.
Comment: TTN: BP4, BP7

Labcorp Genetics (formerly Invitae), Labcorp
Classification: Benign for Dilated cardiomyopathy 1G; Autosomal recessive limb-girdle muscular dystrophy type 2J. Last evaluated: 2026-01-25. Review status: criteria provided, single submitter. Criteria: Invitae Variant Classification Sherloc (09022015). Collection method: clinical testing. Allele origin: germline.

Molecular Diagnostic Laboratory for Inherited Cardiovascular Disease, Montreal Heart Institute
Classification: Benign. Last evaluated: 2025-04-09. Review status: criteria provided, single submitter. Criteria: ACMG Guidelines, 2015. Collection method: clinical testing. Allele origin: germline. Affected: no.

PreventionGenetics, part of Exact Sciences
Classification: Likely benign for TTN-related condition. Last evaluated: 2025-04-03. Review status: criteria provided, single submitter. Criteria: ACMG Guidelines, 2015. Collection method: clinical testing. Allele origin: germline.
Comment: This variant is classified as likely benign based on ACMG/AMP sequence variant interpretation guidelines (Richards et al. 2015 PMID: 25741868, with internal and published modifications).

Athena Diagnostics
Classification: Benign. Last evaluated: 2024-10-17. Review status: criteria provided, single submitter. Criteria: Athena Diagnostics Criteria. Collection method: clinical testing. Allele origin: unknown.

Blueprint Genetics
Classification: Likely benign. Last evaluated: 2024-06-28. Review status: criteria provided, single submitter. Criteria: ACMG Guidelines, 2015. Collection method: clinical testing. Allele origin: germline.

ARUP Laboratories, Molecular Genetics and Genomics, ARUP Laboratories
Classification: Benign. Last evaluated: 2023-09-28. Review status: criteria provided, single submitter. Criteria: ARUP Molecular Germline Variant Investigation Process 2024. Collection method: clinical testing. Allele origin: germline.

Women's Health and Genetics/Laboratory Corporation of America, LabCorp
Classification: Likely benign. Last evaluated: 2021-11-15. Review status: criteria provided, single submitter. Criteria: LabCorp Variant Classification Summary - May 2015. Collection method: clinical testing. Allele origin: germline.

Genome-Nilou Lab
Classification: Benign for Autosomal recessive limb-girdle muscular dystrophy type 2J. Last evaluated: 2021-09-10. Review status: criteria provided, single submitter. Criteria: ACMG Guidelines, 2015. Collection method: clinical testing. Allele origin: germline. Affected: no.

Genome-Nilou Lab
Classification: Benign for Myopathy, myofibrillar, 9, with early respiratory failure. Last evaluated: 2021-09-10. Review status: criteria provided, single submitter. Criteria: ACMG Guidelines, 2015. Collection method: clinical testing. Allele origin: germline. Affected: no.

Genome-Nilou Lab
Classification: Benign for Early-onset myopathy with fatal cardiomyopathy. Last evaluated: 2021-09-10. Review status: criteria provided, single submitter. Criteria: ACMG Guidelines, 2015. Collection method: clinical testing. Allele origin: germline. Affected: no.

Genome-Nilou Lab
Classification: Benign for Tibial muscular dystrophy. Last evaluated: 2021-09-10. Review status: criteria provided, single submitter. Criteria: ACMG Guidelines, 2015. Collection method: clinical testing. Allele origin: germline. Affected: no.

Laboratory for Molecular Medicine, Mass General Brigham Personalized Medicine
Classification: Likely benign. Last evaluated: 2017-07-27. Review status: criteria provided, single submitter. Criteria: LMM Criteria. Collection method: clinical testing. Allele origin: germline. Observed: 2 variant alleles.
Comment: p.Thr5919Thr in exon 71 of TTN: This variant is not expected to have clinical si gnificance because it does not alter an amino acid residue, and is not located w ithin the splice consensus sequence. It has been identified in 0.21% (50/23982) of African chromosomes by the Genome Aggregation Database (gnomAD .; dbSNP rs376882041).

Eurofins Ntd Llc (ga)
Classification: Likely benign. Last evaluated: 2015-08-06. Review status: criteria provided, single submitter. Criteria: EGL Classification Definitions 2015. Collection method: clinical testing. Allele origin: germline. Observed: 1 variant allele, 1 heterozygote.

GeneDx
Classification: Benign. Last evaluated: 2014-04-01. Review status: criteria provided, single submitter. Criteria: GeneDx Variant Classification (06012015). Collection method: clinical testing. Allele origin: germline. Affected: yes.
Comment: This variant is considered likely benign or benign based on one or more of the following criteria: it is a conservative change, it occurs at a poorly conserved position in the protein, it is predicted to be benign by multiple in silico algorithms, and/or has population frequency not consistent with disease.

NM_001267550.2(TTN):c.21489C>G (p.Thr7163=)

Gene: TTN (titin; minus strand). Cytogenetic location: 2q31.2.
Variant type: single nucleotide variant.
Coding change: c.21489C>G on transcript NM_001267550.2 (MANE Select); coding-DNA position 21489, C replaced by G.
Protein change: p.Thr7163=; no amino-acid change (threonine 7163 retained).
Molecular consequence: synonymous variant. On other transcripts: intron variant (3).
Genome position (GRCh38, 1-based): chr2:178,723,611, G>C on the plus strand (C>G on the coding strand, the complement: TTN is on the minus strand). VCF-style: chr2-178723611-G-C. GRCh37 (hg19) VCF-style: chr2-179588338-G-C.
Other names: p.T6846T:ACC>ACG; c.20538C>G, p.Thr6846= (NM_001256850.1); c.17757C>G, p.Thr5919= (NM_133378.4); c.13282+14471C>G (NM_003319.4); c.13858+14471C>G (NM_133437.4); c.13657+14471C>G (NM_133432.3).
Identifiers: ClinVar variation 137840 (VCV000137840.30), dbSNP rs376882041, ClinGen allele CA295763.